The following is an entry in ClinVar:

NM_003823.4(TNFRSF6B):c.137G>A (p.Arg46Gln)

Genes: RTEL1-TNFRSF6B (RTEL1-TNFRSF6B readthrough (NMD candidate); plus strand), TNFRSF6B (TNF receptor superfamily member 6b; plus strand). Cytogenetic location: 20q13.33.
Variant type: single nucleotide variant.
Coding change: c.137G>A on transcript NM_003823.4 (MANE Select); coding-DNA position 137, G replaced by A.
Protein change: p.Arg46Gln; replaces arginine 46 with glutamine.
Molecular consequence: missense variant. On other transcripts: non-coding transcript variant (1).
Genome position (GRCh38, 1-based): chr20:63,696,904, G>A. VCF-style: chr20-63696904-G-A. GRCh37 (hg19) VCF-style: chr20-62328257-G-A.
Other names: c.137G>A (NM_003823.3); short protein forms R46Q.
Identifiers: ClinVar variation 3704164 (VCV003704164.3).

ClinVar aggregate classification (germline): Uncertain significance. Review status: criteria provided, multiple submitters, no conflicts (2 of 4 stars). 2 submissions from 2 submitters: Uncertain significance (2). Last evaluated 2025-08-08.

gnomAD v4.1: 83 of 1,611,034 alleles (0.0052%); highest among the groups gnomAD compares: South Asian, 0.048%; no homozygotes.

Submissions (2):

Ambry Genetics
Classification: Uncertain significance. Last evaluated: 2025-08-08. Review status: criteria provided, single submitter. Criteria: Ambry Variant Classification Scheme 2023. Collection method: clinical testing. Allele origin: germline.

Labcorp Genetics (formerly Invitae), Labcorp
Classification: Uncertain significance. Last evaluated: 2024-11-03. Review status: criteria provided, single submitter. Criteria: Invitae Variant Classification Sherloc (09022015). Collection method: clinical testing. Allele origin: germline.
Comment: This sequence change replaces arginine, which is basic and polar, with glutamine, which is neutral and polar, at codon 46 of the TNFRSF6B protein (p.Arg46Gln). This variant is present in population databases (rs572993898, gnomAD 0.04%). This variant has not been reported in the literature in individuals affected with TNFRSF6B-related conditions. An algorithm developed to predict the effect of missense changes on protein structure and function (PolyPhen-2) suggests that this variant is likely to be tolerated. In summary, the available evidence is currently insufficient to determine the role of this variant in disease. Therefore, it has been classified as a Variant of Uncertain Significance.